The following is an entry in ClinVar:

NM_000052.7(ATP7A):c.1384C>G (p.Pro462Ala)

Gene: ATP7A (ATPase copper transporting alpha; plus strand). Cytogenetic location: Xq21.1.
Variant type: single nucleotide variant.
Coding change: c.1384C>G on transcript NM_000052.7 (MANE Select); coding-DNA position 1384, C replaced by G.
Protein change: p.Pro462Ala; replaces proline 462 with alanine.
Molecular consequence: missense variant.
Genome position (GRCh38, 1-based): chrX:77,998,525, C>G. VCF-style: chrX-77998525-C-G. GRCh37 (hg19) VCF-style: chrX-77254022-C-G.
Other names: c.1384C>G, p.Pro462Ala (NM_001282224.2); short protein forms P462A.
Identifiers: ClinVar variation 429718 (VCV000429718.30), dbSNP rs781964005, ClinGen allele CA10459044.

ClinVar aggregate classification (germline): Conflicting classifications of pathogenicity. Review status: criteria provided, conflicting classifications (1 of 4 stars). 6 submissions from 6 submitters: Uncertain significance (2); Likely benign (3). 1 of the submissions does not count toward it. Last evaluated 2026-04-01.

Conditions:
ATP7A-related disorder. Also called: ATP7A-related condition.
Inborn genetic diseases. Identifiers: MedGen C0950123, MeSH D030342.
Cutis laxa, X-linked (OHS). Also called: EDS IX; Occipital horn syndrome. Identifiers: Orphanet 198, MedGen C0268353, MONDO:0010572, OMIM 304150.
X-linked distal spinal muscular atrophy type 3. Also called: NEURONOPATHY, DISTAL HEREDITARY MOTOR, X-LINKED; NEUROPATHY, DISTAL HEREDITARY MOTOR, X-LINKED; SPINAL MUSCULAR ATROPHY, DISTAL, X-LINKED RECESSIVE; ATP7A-Related Distal Motor Neuropathy. Identifiers: Orphanet 139557, MedGen C1845359, MONDO:0010338, OMIM 300489.
Menkes kinky-hair syndrome (MNK). Also called: Copper transport disease; Classic Menkes Disease; Menkes Disease. Identifiers: Orphanet 565, MedGen C0022716, MONDO:0010651, OMIM 309400.

Allele frequency attached by ClinVar (database versions not stated): gnomAD 0.00001; ExAC 0.00002; gnomAD exomes 0.00002 and 0.00003; TOPMed 0.00003.
gnomAD v4.1: 24 of 1,210,002 alleles (0.002%); highest among the groups gnomAD compares: Non-Finnish European, 0.0021%; 1 homozygote.

Submissions (6):

CeGaT Center for Human Genetics Tuebingen
Classification: Likely benign. Last evaluated: 2026-04-01. Review status: criteria provided, single submitter. Criteria: CeGaT Center For Human Genetics Tuebingen Variant Classification Criteria Version 2. Collection method: clinical testing. Allele origin: germline. Affected: yes. Observed: 4 variant alleles.
Comment: ATP7A: BS2

Ambry Genetics
Classification: Uncertain significance for Inborn genetic diseases. Last evaluated: 2025-08-30. Review status: criteria provided, single submitter. Criteria: Ambry Variant Classification Scheme 2023. Collection method: clinical testing. Allele origin: germline.

Labcorp Genetics (formerly Invitae), Labcorp
Classification: Likely benign for X-linked distal spinal muscular atrophy type 3; Cutis laxa, X-linked; Menkes kinky-hair syndrome. Last evaluated: 2025-06-17. Review status: criteria provided, single submitter. Criteria: Invitae Variant Classification Sherloc (09022015). Collection method: clinical testing. Allele origin: germline.

PreventionGenetics, part of Exact Sciences
Classification: Uncertain significance for ATP7A-related condition. Last evaluated: 2023-06-09. Review status: criteria provided, single submitter. Criteria: ACMG Guidelines, 2015. Collection method: clinical testing. Allele origin: germline.
Comment: The ATP7A c.1384C>G variant is predicted to result in the amino acid substitution p.Pro462Ala. To our knowledge, this variant has not been reported in the literature. This variant is reported in 0.0049% of alleles in individuals of European (Non-Finnish) descent in gnomAD. At this time, the clinical significance of this variant is uncertain due to the absence of conclusive functional and genetic evidence.

GeneDx
Classification: Likely benign. Last evaluated: 2018-08-10. Review status: criteria provided, single submitter. Criteria: GeneDx Variant Classification Process June 2021. Collection method: clinical testing. Allele origin: germline. Affected: yes.

Natera, Inc.
Classification: Likely benign for Menkes kinky hair syndrome. Last evaluated: 2019-10-28. Review status: no assertion criteria provided. Collection method: clinical testing. Allele origin: germline. Not counted in ClinVar's aggregate classification.